The following is an entry in ClinVar:

ClinVar aggregate classification (germline): Pathogenic (1 of 4 stars; one submission).

Conditions:
Myopathy caused by variation in FKTN. Identifiers: MedGen CN305638, MONDO:0700067.

Submission:

Myriad Genetics, Inc.
Classification: Pathogenic for Myopathy caused by variation in FKTN. Last evaluated: 2025-08-07. Review status: criteria provided, single submitter. Criteria: Myriad Autosomal Dominant, Autosomal Recessive and X-Linked Classification Criteria (2023). Collection method: clinical testing. Allele origin: unknown.
Comment: NM_001079802.1(FKTN):c.682delG(E228Kfs*12) is expected to be pathogenic in the context of FKTN-related disorders. This variant is predicted to lead to an abnormal or absent protein product due to the creation of a premature termination codon in FKTN, a gene where loss-of-function variants are known to be pathogenic. Please note: this variant was assessed in the context of healthy population screening.

NM_001079802.2(FKTN):c.682del (p.Glu228fs)

Gene: FKTN (fukutin; plus strand). Cytogenetic location: 9q31.2.
Variant type: Deletion.
Coding change: c.682del on transcript NM_001079802.2 (MANE Select); coding-DNA position 682, one base deleted (G; older notation c.682delG).
Protein change: p.Glu228fs; shifts the reading frame from glutamic acid 228.
Molecular consequence: frameshift variant. On other transcripts: non-coding transcript variant (2).
Genome position (GRCh38, 1-based): chr9:105,607,853, G deleted; the last of 2 consecutive G bases (chr9:105,607,852-105,607,853); deleting either gives the same sequence. VCF-style (leftmost placement, unchanged base first): chr9-105607851-TG-T. GRCh37 (hg19) VCF-style: chr9-108370132-TG-T.
Other names: c.682del, p.Glu228fs (NM_001198963.2, NM_001351496.2, NM_001351498.2 and 1 more transcripts); c.613del, p.Glu205fs (NM_001351497.2); c.286del, p.Glu96fs (NM_001351499.2, NM_001351500.2, NM_001351501.2 and 1 more transcripts); short protein forms E205fs, E228fs, E96fs.
Identifiers: ClinVar variation 5014837 (VCV005014837.1).